The following is an entry in ClinVar:

ClinVar aggregate classification (germline): Uncertain significance (1 of 4 stars; one submission).

Allele frequency attached by ClinVar (database versions not stated): gnomAD exomes below 0.00001 and 0.00001.
gnomAD v4.1: 7 of 1,613,624 alleles (0.00043%); highest among the groups gnomAD compares: Non-Finnish European, 0.00059%; no homozygotes.

Submission:

Labcorp Genetics (formerly Invitae), Labcorp
Classification: Uncertain significance. Last evaluated: 2022-01-06. Review status: criteria provided, single submitter. Criteria: Invitae Variant Classification Sherloc (09022015). Collection method: clinical testing. Allele origin: germline.
Comment: In summary, the available evidence is currently insufficient to determine the role of this variant in disease. Therefore, it has been classified as a Variant of Uncertain Significance. Variants that disrupt the consensus splice site are a relatively common cause of aberrant splicing (PMID: 17576681, 9536098). Algorithms developed to predict the effect of sequence changes on RNA splicing suggest that this variant may disrupt the consensus splice site. Algorithms developed to predict the effect of missense changes on protein structure and function are either unavailable or do not agree on the potential impact of this missense change (SIFT: "Deleterious"; PolyPhen-2: "Probably Damaging"; Align-GVGD: "Class C0"). This variant has not been reported in the literature in individuals affected with BEST1-related conditions. This variant is present in population databases (no rsID available, gnomAD 0.0009%). This sequence change replaces arginine, which is basic and polar, with lysine, which is basic and polar, at codon 51 of the BEST1 protein (p.Arg51Lys). This variant also falls at the last nucleotide of exon 2, which is part of the consensus splice site for this exon.

Literature cited by the submitters: PubMed 17576681; PubMed 9536098.

NM_004183.4(BEST1):c.152G>A (p.Arg51Lys)

Gene: BEST1 (bestrophin 1; plus strand). Cytogenetic location: 11q12.3.
Variant type: single nucleotide variant.
Coding change: c.152G>A on transcript NM_004183.4 (MANE Select); coding-DNA position 152, G replaced by A.
Protein change: p.Arg51Lys; replaces arginine 51 with lysine.
Molecular consequence: missense variant. On other transcripts: non-coding transcript variant (1), intron variant (6).
Genome position (GRCh38, 1-based): chr11:61,951,958, G>A. VCF-style: chr11-61951958-G-A. GRCh37 (hg19) VCF-style: chr11-61719430-G-A.
Other names: c.152G>A, p.Arg51Lys (NM_001363592.2, NM_001440571.1, NM_001440572.1 and 1 more transcripts); c.-29+1531G>A (NM_001139443.3, NM_001300787.2, NM_001440574.1 and 3 more transcripts); short protein forms R51K.
Identifiers: ClinVar variation 1348601 (VCV001348601.8), dbSNP rs914504094, ClinGen allele CA222931452.